The following is an entry in ClinVar:

ClinVar aggregate classification (germline): Uncertain significance. Review status: criteria provided, multiple submitters, no conflicts (2 of 4 stars). 2 submissions from 2 submitters: Uncertain significance (2). Last evaluated 2024-06-04.

Conditions:
LAMB2-related infantile-onset nephrotic syndrome. Also called: Nephrotic Syndrome, type 5; NEPHROTIC SYNDROME, TYPE 5, WITHOUT OCULAR ABNORMALITIES; NEPHROTIC SYNDROME, TYPE 5, WITH OCULAR ABNORMALITIES. Identifiers: Orphanet 306507, MedGen C3280113, MONDO:0013621, OMIM 614199.
Pierson syndrome. Also called: MICROCORIA-CONGENITAL NEPHROTIC SYNDROME. Identifiers: Orphanet 2670, MedGen C1836876, MONDO:0012184, OMIM 609049.

Allele frequency attached by ClinVar (database versions not stated): gnomAD 0.00001; gnomAD exomes 0.00002; TOPMed 0.00002.
gnomAD v4.1: 31 of 1,613,860 alleles (0.0019%); highest among the groups gnomAD compares: Non-Finnish European, 0.0025%; no homozygotes.

Submissions (2):

Fulgent Genetics
Classification: Uncertain significance for Pierson syndrome; LAMB2-related infantile-onset nephrotic syndrome. Last evaluated: 2024-06-04. Review status: criteria provided, single submitter. Criteria: ACMG Guidelines, 2015. Collection method: clinical testing. Allele origin: germline.

Labcorp Genetics (formerly Invitae), Labcorp
Classification: Uncertain significance for LAMB2-related infantile-onset nephrotic syndrome; Pierson syndrome. Last evaluated: 2023-12-23. Review status: criteria provided, single submitter. Criteria: Invitae Variant Classification Sherloc (09022015). Collection method: clinical testing. Allele origin: germline.
Comment: This sequence change replaces histidine, which is basic and polar, with tyrosine, which is neutral and polar, at codon 81 of the LAMB2 protein (p.His81Tyr). This variant is present in population databases (no rsID available, gnomAD 0.003%). This variant has not been reported in the literature in individuals affected with LAMB2-related conditions. An algorithm developed to predict the effect of missense changes on protein structure and function (PolyPhen-2) suggests that this variant is likely to be disruptive. In summary, the available evidence is currently insufficient to determine the role of this variant in disease. Therefore, it has been classified as a Variant of Uncertain Significance.

NM_002292.4(LAMB2):c.241C>T (p.His81Tyr)

Gene: LAMB2 (laminin subunit beta 2; minus strand). Cytogenetic location: 3p21.31.
Variant type: single nucleotide variant.
Coding change: c.241C>T on transcript NM_002292.4 (MANE Select); coding-DNA position 241, C replaced by T.
Protein change: p.His81Tyr; replaces histidine 81 with tyrosine.
Molecular consequence: missense variant.
Genome position (GRCh38, 1-based): chr3:49,132,499, G>A on the plus strand (C>T on the coding strand, the complement: LAMB2 is on the minus strand). VCF-style: chr3-49132499-G-A. GRCh37 (hg19) VCF-style: chr3-49169932-G-A.
Other names: short protein forms H81Y.
Identifiers: ClinVar variation 2925047 (VCV002925047.4), dbSNP rs962143632, ClinGen allele CA74490363.